The following is an entry in ClinVar:

NM_152305.3(POGLUT1):c.697G>T (p.Asp233Tyr)

Gene: POGLUT1 (protein O-glucosyltransferase 1; plus strand). Cytogenetic location: 3q13.33.
Variant type: single nucleotide variant.
Coding change: c.697G>T on transcript NM_152305.3 (MANE Select); coding-DNA position 697, G replaced by T.
Protein change: p.Asp233Tyr; replaces aspartic acid 233 with tyrosine.
Molecular consequence: missense variant. On other transcripts: non-coding transcript variant (1).
Genome position (GRCh38, 1-based): chr3:119,486,891, G>T. VCF-style: chr3-119486891-G-T. GRCh37 (hg19) VCF-style: chr3-119205738-G-T.
Other names: short protein forms D233Y.
Identifiers: ClinVar variation 3654220 (VCV003654220.2).
Genomic context (GRCh38, chr3:119,486,891, plus strand): 5'-AGGACAAGTCCAGAACGAGATCCTCTCATTCTTCTGTCTCGGAAAAACCCAAAACTTGTT[G>T]ATGCAGAATACACCAAAAACCAGGCCTGGAAATCTATGAAAGTAATCACCAGTCATCTGA-3'
Protein context (NP_689518.1, residues 223-243): LLSRKNPKLV[Asp233Tyr]AEYTKNQAWK

ClinVar aggregate classification (germline): Uncertain significance (1 of 4 stars; one submission).

Submission:

Labcorp Genetics (formerly Invitae), Labcorp
Classification: Uncertain significance. Last evaluated: 2024-05-22. Review status: criteria provided, single submitter. Criteria: Invitae Variant Classification Sherloc (09022015). Collection method: clinical testing. Allele origin: germline.
Comment: This sequence change replaces aspartic acid, which is acidic and polar, with tyrosine, which is neutral and polar, at codon 233 of the POGLUT1 protein (p.Asp233Tyr). This variant is not present in population databases (gnomAD no frequency). This variant has not been reported in the literature in individuals affected with POGLUT1-related conditions. Advanced modeling of protein sequence and biophysical properties (such as structural, functional, and spatial information, amino acid conservation, physicochemical variation, residue mobility, and thermodynamic stability) performed at Invitae indicates that this missense variant is expected to disrupt POGLUT1 protein function with a positive predictive value of 80%. Algorithms developed to predict the effect of sequence changes on RNA splicing suggest that this variant may disrupt the consensus splice site. This variant disrupts the p.Asp233 amino acid residue in POGLUT1. Other variant(s) that disrupt this residue have been determined to be pathogenic (PMID: 27807076). This suggests that this residue is clinically significant, and that variants that disrupt this residue are likely to be disease-causing. In summary, the available evidence is currently insufficient to determine the role of this variant in disease. Therefore, it has been classified as a Variant of Uncertain Significance.

Literature cited by the submitters: PubMed 27807076.